The following is an entry in ClinVar:

ClinVar aggregate classification (germline): Likely pathogenic (1 of 4 stars; one submission).

Conditions:
Lamellar ichthyosis. Identifiers: Orphanet 313, MedGen C5848247, MONDO:0017778.

Submission:

Women's Health and Genetics/Laboratory Corporation of America, LabCorp
Classification: Likely pathogenic for Lamellar ichthyosis. Last evaluated: 2022-11-29. Review status: criteria provided, single submitter. Criteria: LabCorp Variant Classification Summary - May 2015. Collection method: clinical testing. Allele origin: germline.
Comment: Variant summary: NIPAL4 c.773-2A>G is located in a canonical splice-site, at the last intron-exon junction, and is predicted to affect mRNA splicing resulting in a significantly altered protein due to either exon skipping, shortening, or inclusion of intronic material. Several computational tools predict a significant impact on normal splicing: Four predict the variant abolishes a canonical 3' acceptor site and creates a new cryptic intronic one, one nucleotide upstream, potentially leading to a frameshift. However, these predictions have yet to be confirmed by functional studies. Loss-of-function (truncation) variants within the last exon (exon 6) of NIPAL4 have been cited in ClinVar and HGMD as pathogenic and disease-associated. The variant was absent in 241102 control chromosomes (gnomAD). To our knowledge, no occurrence of c.773-2A>G in individuals affected with Lamellar Ichthyosis and no experimental evidence demonstrating its impact on protein function have been reported. No clinical diagnostic laboratories have submitted clinical-significance assessments for this variant to ClinVar after 2014. Based on the evidence outlined above, the variant was classified as likely pathogenic.

NM_001099287.2(NIPAL4):c.587-2A>G

Gene: NIPAL4 (NIPA like domain containing 4; plus strand). Cytogenetic location: 5q33.3.
Variant type: single nucleotide variant.
Coding change: c.587-2A>G on transcript NM_001099287.2 (MANE Select); the canonical splice acceptor site of the intron before coding-DNA position 587, A replaced by G.
Molecular consequence: splice acceptor variant.
Genome position (GRCh38, 1-based): chr5:157,472,330, A>G. VCF-style: chr5-157472330-A-G. GRCh37 (hg19) VCF-style: chr5-156899338-A-G.
Other names: c.530-2A>G (NM_001172292.2).
Identifiers: ClinVar variation 1804711 (VCV001804711.1), dbSNP rs2532907239, ClinGen allele CA361973023.